The following is an entry in ClinVar:

NM_032108.4(SEMA6B):c.930C>T (p.Gly310=)

Gene: SEMA6B (semaphorin 6B; minus strand). Cytogenetic location: 19p13.3.
Variant type: single nucleotide variant.
Coding change: c.930C>T on transcript NM_032108.4 (MANE Select); coding-DNA position 930, C replaced by T.
Protein change: p.Gly310=; no amino-acid change (glycine 310 retained).
Molecular consequence: synonymous variant.
Genome position (GRCh38, 1-based): chr19:4,552,481, G>A on the plus strand (C>T on the coding strand, the complement: SEMA6B is on the minus strand). VCF-style: chr19-4552481-G-A. GRCh37 (hg19) VCF-style: chr19-4552493-G-A.
Identifiers: ClinVar variation 3770816 (VCV003770816.13).

ClinVar aggregate classification (germline): Likely benign (1 of 4 stars; one submission).

Submission:

CeGaT Center for Human Genetics Tuebingen
Classification: Likely benign. Last evaluated: 2025-02-01. Review status: criteria provided, single submitter. Criteria: CeGaT Center For Human Genetics Tuebingen Variant Classification Criteria Version 2. Collection method: clinical testing. Allele origin: germline. Affected: yes. Observed: 1 variant allele.
Comment: SEMA6B: BP4, BP7